The following is an entry in ClinVar:

NM_016239.4(MYO15A):c.8072T>C (p.Ile2691Thr)

Gene: MYO15A (myosin XVA; plus strand). Cytogenetic location: 17p11.2.
Variant type: single nucleotide variant.
Coding change: c.8072T>C on transcript NM_016239.4 (MANE Select); coding-DNA position 8072, T replaced by C.
Protein change: p.Ile2691Thr; replaces isoleucine 2691 with threonine.
Molecular consequence: missense variant.
Genome position (GRCh38, 1-based): chr17:18,153,880, T>C. VCF-style: chr17-18153880-T-C. GRCh37 (hg19) VCF-style: chr17-18057194-T-C.
Other names: short protein forms I2691T.
Identifiers: ClinVar variation 3572590 (VCV003572590.1).

ClinVar aggregate classification (germline): Uncertain significance (1 of 4 stars; one submission).

Submission:

GeneDx
Classification: Uncertain significance. Last evaluated: 2024-07-09. Review status: criteria provided, single submitter. Criteria: GeneDx Variant Classification Process June 2021. Collection method: clinical testing. Allele origin: germline. Affected: yes.
Comment: Not observed at significant frequency in large population cohorts (gnomAD); In silico analysis supports that this missense variant has a deleterious effect on protein structure/function; Has not been previously published as pathogenic or benign to our knowledge